The following is an entry in ClinVar:

ClinVar aggregate classification (germline): Likely benign. Review status: criteria provided, multiple submitters, no conflicts (2 of 4 stars). 4 submissions from 4 submitters: Likely benign (4). Last evaluated 2026-09-21.

Conditions:
Cardiovascular phenotype. Identifiers: MedGen CN230736.
Hypertrophic cardiomyopathy 20. Identifiers: MedGen C3151267, MONDO:0013477, OMIM 613876.
Dilated cardiomyopathy 1CC (CMD1CC). Identifiers: Orphanet 154, MedGen C2751084, MONDO:0013147, OMIM 613122.

Allele frequency attached by ClinVar (database versions not stated): gnomAD exomes 0.00001 and 0.00002; gnomAD 0.00004; ExAC 0.00002; TOPMed 0.00005.
gnomAD v4.1: 22 of 1,613,298 alleles (0.0014%); highest among the groups gnomAD compares: Middle Eastern, 0.033%; no homozygotes.

Submissions (4):

Molecular Diagnostic Laboratory for Inherited Cardiovascular Disease, Montreal Heart Institute
Classification: Likely benign. Last evaluated: 2026-09-21. Review status: criteria provided, single submitter. Criteria: ACMG Guidelines, 2015. Collection method: clinical testing. Allele origin: germline. Affected: no.
Comment: BP7

Labcorp Genetics (formerly Invitae), Labcorp
Classification: Likely benign for Dilated cardiomyopathy 1CC; Hypertrophic cardiomyopathy 20. Last evaluated: 2025-12-24. Review status: criteria provided, single submitter. Criteria: Invitae Variant Classification Sherloc (09022015). Collection method: clinical testing. Allele origin: germline.

GeneDx
Classification: Likely benign. Last evaluated: 2021-03-24. Review status: criteria provided, single submitter. Criteria: GeneDx Variant Classification Process June 2021. Collection method: clinical testing. Allele origin: germline. Affected: yes.

Ambry Genetics
Classification: Likely benign for Cardiovascular phenotype. Last evaluated: 2017-01-20. Review status: criteria provided, single submitter. Criteria: Ambry Variant Classification Scheme 2023. Collection method: clinical testing. Allele origin: germline.

NM_144573.4(NEXN):c.739T>C (p.Leu247=)

Gene: NEXN (nexilin F-actin binding protein; plus strand). Cytogenetic location: 1p31.1.
Variant type: single nucleotide variant.
Coding change: c.739T>C on transcript NM_144573.4 (MANE Select); coding-DNA position 739, T replaced by C.
Protein change: p.Leu247=; no amino-acid change (leucine 247 retained).
Molecular consequence: synonymous variant.
Genome position (GRCh38, 1-based): chr1:77,926,767, T>C. VCF-style: chr1-77926767-T-C. GRCh37 (hg19) VCF-style: chr1-78392452-T-C.
Other names: c.547T>C, p.Leu183= (NM_001172309.2).
Identifiers: ClinVar variation 520338 (VCV000520338.16), dbSNP rs781118443, ClinGen allele CA918724.